The following is an entry in ClinVar:

NM_018993.4(RIN2):c.590C>T (p.Ser197Leu)

Gene: RIN2 (Ras and Rab interactor 2; plus strand). Cytogenetic location: 20p11.23.
Variant type: single nucleotide variant.
Coding change: c.590C>T on transcript NM_018993.4 (MANE Select); coding-DNA position 590, C replaced by T.
Protein change: p.Ser197Leu; replaces serine 197 with leucine.
Molecular consequence: missense variant. On other transcripts: 5 prime UTR variant (1).
Genome position (GRCh38, 1-based): chr20:19,970,891, C>T. VCF-style: chr20-19970891-C-T. GRCh37 (hg19) VCF-style: chr20-19951535-C-T.
Other names: c.737C>T, p.Ser246Leu (NM_001242581.2); c.-29C>T (NM_001378238.1); short protein forms S197L, S246L.
Identifiers: ClinVar variation 501662 (VCV000501662.11), dbSNP rs531782187, ClinGen allele CA9779873.

ClinVar aggregate classification (germline): Uncertain significance. Review status: criteria provided, multiple submitters, no conflicts (2 of 4 stars). 4 submissions from 4 submitters: Uncertain significance (4). Last evaluated 2024-11-19.

Conditions:
Inborn genetic diseases. Identifiers: MedGen C0950123, MeSH D030342.

Allele frequency attached by ClinVar (database versions not stated): gnomAD 0.00011; ExAC 0.00023; 1000 Genomes Project 30x 0.00078; TOPMed 0.00019; 1000 Genomes Project 0.00060; gnomAD exomes 0.00022.
gnomAD v4.1: 161 of 1,613,504 alleles (0.01%); highest among the groups gnomAD compares: Admixed American, 0.087%; 1 homozygote.

Submissions (4):

GeneDx
Classification: Uncertain significance. Last evaluated: 2024-11-19. Review status: criteria provided, single submitter. Criteria: GeneDx Variant Classification Process June 2021. Collection method: clinical testing. Allele origin: germline. Affected: yes.
Comment: In silico analysis supports that this missense variant has a deleterious effect on protein structure/function; Has not been previously published as pathogenic or benign to our knowledge

Ambry Genetics
Classification: Uncertain significance for Inborn genetic diseases. Last evaluated: 2024-09-10. Review status: criteria provided, single submitter. Criteria: Ambry Variant Classification Scheme 2023. Collection method: clinical testing. Allele origin: germline.

Labcorp Genetics (formerly Invitae), Labcorp
Classification: Uncertain significance. Last evaluated: 2022-08-10. Review status: criteria provided, single submitter. Criteria: Invitae Variant Classification Sherloc (09022015). Collection method: clinical testing. Allele origin: germline.
Comment: This sequence change replaces serine, which is neutral and polar, with leucine, which is neutral and non-polar, at codon 197 of the RIN2 protein (p.Ser197Leu). This variant is present in population databases (rs531782187, gnomAD 0.1%), including at least one homozygous and/or hemizygous individual. This variant has not been reported in the literature in individuals affected with RIN2-related conditions. ClinVar contains an entry for this variant (Variation ID: 501662). Algorithms developed to predict the effect of missense changes on protein structure and function are either unavailable or do not agree on the potential impact of this missense change (SIFT: "Deleterious"; PolyPhen-2: "Not Available"; Align-GVGD: "Class C15"). In summary, the available evidence is currently insufficient to determine the role of this variant in disease. Therefore, it has been classified as a Variant of Uncertain Significance.

Eurofins Ntd Llc (ga)
Classification: Uncertain significance. Last evaluated: 2017-04-28. Review status: criteria provided, single submitter. Criteria: EGL Classification Definitions 2015. Collection method: clinical testing. Allele origin: germline. Observed: 1 variant allele, 1 heterozygote.